The following is an entry in ClinVar:

ClinVar aggregate classification (germline): Uncertain significance. Review status: criteria provided, single submitter (1 of 4 stars). 2 submissions from 2 submitters: Uncertain significance (1). 1 of the submissions does not count toward it. Last evaluated 2016-01-13.

Conditions:
Pyruvate dehydrogenase E1-alpha deficiency (PDHAD). Also called: ATAXIA, INTERMITTENT, WITH PYRUVATE DEHYDROGENASE DEFICIENCY; ATAXIA WITH LACTIC ACIDOSIS I; ATAXIA, INTERMITTENT, WITH ABNORMAL PYRUVATE METABOLISM; Ataxia, intermittent, with pyruvate dehydrogenase, or decarboxylase, deficiency. Identifiers: Orphanet 79243, MedGen C1839413, MONDO:0010717, OMIM 312170.

Submissions (2):

Eurofins Ntd Llc (ga)
Classification: Uncertain significance. Last evaluated: 2016-01-13. Review status: criteria provided, single submitter. Criteria: EGL Classification Definitions 2015. Collection method: clinical testing. Allele origin: germline. Observed: 1 variant allele, 1 heterozygote.

PDHA1 Study Group, University Children’s Hospital, Paracelsus Medical University
Classification: Likely pathogenic for Pyruvate dehydrogenase E1-alpha deficiency. Last evaluated: 2024-10-15. Review status: no assertion criteria provided. Collection method: research. Allele origin: germline. Affected: yes. Observed: 1 variant allele. Not counted in ClinVar's aggregate classification.
Comment: The NM_000284.3:c.1133G>T (p.Arg378Leu) substitution is a missense variant in PDHA1 gene. These include . Last literature search: July 12, 2024. This variant is absent or extremely rare in population-based cohorts in the Genome Aggregation Database (gnomAD). Individuals harboring this variant presented with clinical features compatible with PDHA1-related PDHc deficiency. In summary, this variant meets criteria to be classified as pathogenic (P) for PDHA1-related PDHc deficiency based on the ACMG/AMP criteria applied: PVS1, PM2 (last assessment October 15, 2024).

Literature cited by the submitters: DOI 10.1093/brain/awaf430 (cited by PDHA1 Study Group, University Children’s Hospital, Paracelsus Medical University).

NM_000284.4(PDHA1):c.1133G>T (p.Arg378Leu)

Gene: PDHA1 (pyruvate dehydrogenase E1 subunit alpha 1; plus strand). Cytogenetic location: Xp22.12.
Variant type: single nucleotide variant.
Coding change: c.1133G>T on transcript NM_000284.4 (MANE Select); coding-DNA position 1133, G replaced by T.
Protein change: p.Arg378Leu; replaces arginine 378 with leucine.
Molecular consequence: missense variant.
Genome position (GRCh38, 1-based): chrX:19,359,613, G>T. VCF-style: chrX-19359613-G-T. GRCh37 (hg19) VCF-style: chrX-19377731-G-T.
Other names: c.1133G>T (NM_000284.3); c.1247G>T, p.Arg416Leu (NM_001173454.2); c.1154G>T, p.Arg385Leu (NM_001173455.2); c.1040G>T, p.Arg347Leu (NM_001173456.2); short protein forms R378L, R347L, R385L, R416L.
Identifiers: ClinVar variation 285776 (VCV000285776.6), dbSNP rs137853250, ClinGen allele CA10605241.